The following is an entry in ClinVar:

ClinVar aggregate classification (germline): Likely benign (0 of 4 stars; one submission).

Conditions:
MCHR1-related disorder. Also called: MCHR1-related condition.

Allele frequency attached by ClinVar (database versions not stated): ESP Exome Variant Server 0.00069.
gnomAD v4.1: 150 of 1,613,704 alleles (0.0093%); highest among the groups gnomAD compares: African/African-American, 0.17%; no homozygotes.

Submission:

PreventionGenetics, part of Exact Sciences
Classification: Likely benign for MCHR1-related condition. Last evaluated: 2022-07-13. Review status: no assertion criteria provided. Collection method: clinical testing. Allele origin: germline.
Comment: This variant is classified as likely benign based on ACMG/AMP sequence variant interpretation guidelines (Richards et al. 2015 PMID: 25741868, with internal and published modifications).

NM_005297.4(MCHR1):c.-69C>G

Gene: MCHR1 (melanin concentrating hormone receptor 1; plus strand). Cytogenetic location: 22q13.2.
Variant type: single nucleotide variant.
Coding change: c.-69C>G on transcript NM_005297.4 (MANE Select); 69 bases upstream of the start codon, C replaced by G.
Molecular consequence: 5 prime UTR variant.
Genome position (GRCh38, 1-based): chr22:40,679,584, C>G. VCF-style: chr22-40679584-C-G. GRCh37 (hg19) VCF-style: chr22-41075588-C-G.
Identifiers: ClinVar variation 3060271 (VCV003060271.2), dbSNP rs146628737, ClinGen allele CA10250113.